The following is an entry in ClinVar:

ClinVar aggregate classification (germline): Likely benign. Review status: criteria provided, multiple submitters, no conflicts (2 of 4 stars). 3 submissions from 3 submitters: Likely benign (3). Last evaluated 2025-01-09.

Conditions:
Hereditary cancer-predisposing syndrome. Also called: Neoplastic Syndromes, Hereditary; Tumor predisposition; Hereditary Cancer Syndrome; Hereditary neoplastic syndrome. Identifiers: Orphanet 140162, MedGen C0027672, MeSH D009386, MONDO:0015356.
Lynch syndrome 5 (LYNCH5). Also called: Colorectal cancer, hereditary nonpolyposis, type 5; Hereditary non-polyposis colorectal cancer, type 5. Identifiers: Orphanet 144, MedGen C1833477, MONDO:0013710, OMIM 614350. Disease mechanism: loss of function.
Hereditary nonpolyposis colorectal neoplasms. Identifiers: MedGen C0009405, MeSH D003123.

Submissions (3):

Myriad Genetics, Inc.
Classification: Likely benign for Lynch syndrome 5. Last evaluated: 2025-01-09. Review status: criteria provided, single submitter. Criteria: Myriad Autosomal Dominant, Autosomal Recessive and X-Linked Classification Criteria (2023). Collection method: clinical testing. Allele origin: unknown.
Comment: This variant is considered likely benign. This variant is intronic and is not expected to impact mRNA splicing.

Labcorp Genetics (formerly Invitae), Labcorp
Classification: Likely benign for Hereditary nonpolyposis colorectal neoplasms. Last evaluated: 2021-03-28. Review status: criteria provided, single submitter. Criteria: Invitae Variant Classification Sherloc (09022015). Collection method: clinical testing. Allele origin: germline.

Color Diagnostics, LLC DBA Color Health
Classification: Likely benign for Hereditary cancer-predisposing syndrome. Last evaluated: 2020-01-02. Review status: criteria provided, single submitter. Criteria: ACMG Guidelines, 2015. Collection method: clinical testing. Allele origin: germline.

NM_000179.3(MSH6):c.4001+9_4001+18del

Gene: MSH6 (mutS homolog 6; plus strand). Cytogenetic location: 2p16.3.
Variant type: Deletion.
Coding change: c.4001+9_4001+18del on transcript NM_000179.3 (MANE Select); bases 9 to 18 of the intron after coding-DNA position 4001, 10 bases deleted (CTAACTATAA; older notation c.4001+9_4001+18delCTAACTATAA).
Molecular consequence: intron variant.
Genome position (GRCh38, 1-based): chr2:47,806,660-47,806,669, CTAACTATAA deleted; deleting any 10 consecutive bases within chr2:47,806,657-47,806,669 gives the same sequence; the c. name uses the placement nearest the transcript's 3' end. VCF-style (leftmost placement, unchanged base first): chr2-47806656-CTAACTAACTA-C. GRCh37 (hg19) VCF-style: chr2-48033795-CTAACTAACTA-C.
Other names: c.3095+9_3095+18del (NM_001281493.2, NM_001281494.2); c.3611+9_3611+18del (NM_001281492.2).
Identifiers: ClinVar variation 924844 (VCV000924844.11), dbSNP rs1670158219, ClinGen allele CA1139656989.